The following is an entry in ClinVar:

ClinVar aggregate classification (germline): Uncertain significance (0 of 4 stars; one submission).

Conditions:
SLC27A5-related disorder. Also called: SLC27A5-related condition.

Allele frequency attached by ClinVar (database versions not stated): gnomAD 0.00001; gnomAD exomes 0.00002; TOPMed 0.00002.
gnomAD v4.1: 28 of 1,586,214 alleles (0.0018%); highest among the groups gnomAD compares: Non-Finnish European, 0.0021%; no homozygotes.

Submission:

PreventionGenetics, part of Exact Sciences
Classification: Uncertain significance for SLC27A5-related condition. Last evaluated: 2023-10-18. Review status: no assertion criteria provided. Collection method: clinical testing. Allele origin: germline.
Comment: The SLC27A5 c.281T>C variant is predicted to result in the amino acid substitution p.Leu94Ser. To our knowledge, this variant has not been reported in the literature or in a large population database, indicating this variant is rare. At this time, the clinical significance of this variant is uncertain due to the absence of conclusive functional and genetic evidence.

NM_012254.3(SLC27A5):c.281T>C (p.Leu94Ser)

Gene: SLC27A5 (solute carrier family 27 member 5; minus strand). Cytogenetic location: 19q13.43.
Variant type: single nucleotide variant.
Coding change: c.281T>C on transcript NM_012254.3 (MANE Select); coding-DNA position 281, T replaced by C.
Protein change: p.Leu94Ser; replaces leucine 94 with serine.
Molecular consequence: missense variant.
Genome position (GRCh38, 1-based): chr19:58,511,675, A>G on the plus strand (T>C on the coding strand, the complement: SLC27A5 is on the minus strand). VCF-style: chr19-58511675-A-G. GRCh37 (hg19) VCF-style: chr19-59023042-A-G.
Other names: c.281T>C, p.Leu94Ser (NM_001321196.2); short protein forms L94S.
Identifiers: ClinVar variation 3032371 (VCV003032371.2), dbSNP rs1019431881, ClinGen allele CA310609129.
Genomic context (GRCh38, chr19:58,511,675, plus strand): 5'-TCAGGCGGCTGCCGGCTCAAGCATCCCCTGATCTTCAGGCCCAGGTGGAGGATCTTGGCC[A>G]AGAAGATCACATCAGCCGGCAGCCAGCGTAGTCCTGGGGGCAGCCGTGCTGGCAGGAGGG-3'
Protein context (NP_036386.1, residues 84-104): LRWLPADVIF[Leu94Ser]AKILHLGLKI